The following is an entry in ClinVar:

ClinVar aggregate classification (germline): Likely pathogenic (1 of 4 stars; one submission).

Conditions:
Autosomal recessive limb-girdle muscular dystrophy type 2J (LGMDR10). Also called: Limb-girdle muscular dystrophy, type 2J; MUSCULAR DYSTROPHY, LIMB-GIRDLE, AUTOSOMAL RECESSIVE 10. Identifiers: Orphanet 140922, MedGen C1837342, MONDO:0012127, OMIM 608807.
Dilated cardiomyopathy 1G (CMD1G). Identifiers: Orphanet 154, MedGen C1858763, MONDO:0011400, OMIM 604145.

Submission:

Labcorp Genetics (formerly Invitae), Labcorp
Classification: Likely pathogenic for Dilated cardiomyopathy 1G; Autosomal recessive limb-girdle muscular dystrophy type 2J. Last evaluated: 2025-12-08. Review status: criteria provided, single submitter. Criteria: Invitae Variant Classification Sherloc (09022015). Collection method: clinical testing. Allele origin: germline.
Comment: This sequence change creates a premature translational stop signal (p.Phe25673Leufs*33) in the TTN gene. While this is not anticipated to result in nonsense mediated decay, it is expected to create a truncated TTN protein. This variant is not present in population databases (gnomAD no frequency). This variant has not been reported in the literature in individuals affected with TTN-related conditions. This variant is located in the A band of TTN (PMID: 25589632). Truncating variants in this region are significantly overrepresented in patients affected with dilated cardiomyopathy (PMID: 25589632). Truncating variants in this region have also been reported in individuals affected with autosomal recessive centronuclear myopathy (PMID: 23975875). In summary, the currently available evidence indicates that the variant is pathogenic, but additional data are needed to prove that conclusively. Therefore, this variant has been classified as Likely Pathogenic.

Literature cited by the submitters: PubMed 25589632; PubMed 23975875.

NM_001267550.2(TTN):c.77019del (p.Phe25673fs)

Genes: TTN-AS1 (TTN antisense RNA 1; plus strand), TTN (titin; minus strand). Cytogenetic location: 2q31.2.
Variant type: Deletion.
Coding change: c.77019del on transcript NM_001267550.2 (MANE Select); coding-DNA position 77019, one base deleted (T; older notation c.77019delT).
Protein change: p.Phe25673fs; shifts the reading frame from phenylalanine 25673.
Molecular consequence: frameshift variant.
Genome position (GRCh38, 1-based): chr2:178,569,113, A deleted on the plus strand (T on the coding strand, the reverse complement: TTN is on the minus strand); the first of 3 consecutive A bases (chr2:178,569,113-178,569,115); deleting any one gives the same sequence. VCF-style (leftmost placement, unchanged base first): chr2-178569112-TA-T. GRCh37 (hg19) VCF-style: chr2-179433839-TA-T.
Other names: c.72096del, p.Phe24032fs (NM_001256850.1); c.49824del, p.Phe16608fs (NM_003319.4); c.69315del, p.Phe23105fs (NM_133378.4); c.50199del, p.Phe16733fs (NM_133432.3); c.50400del, p.Phe16800fs (NM_133437.4); short protein forms F16733fs, F16800fs, F25673fs, F16608fs, F23105fs, F24032fs.
Identifiers: ClinVar variation 4786939 (VCV004786939.1).